The following is an entry in ClinVar:

NM_015662.3(IFT172):c.4960A>G (p.Met1654Val)

Genes: IFT172 (intraflagellar transport 172; minus strand), KRTCAP3 (keratinocyte associated protein 3; plus strand). Cytogenetic location: 2p23.3.
Variant type: single nucleotide variant.
Coding change: c.4960A>G on transcript NM_015662.3 (MANE Select); coding-DNA position 4960, A replaced by G.
Protein change: p.Met1654Val; replaces methionine 1654 with valine.
Molecular consequence: missense variant. On other transcripts: intron variant (1).
Genome position (GRCh38, 1-based): chr2:27,445,404, T>C on the plus strand (A>G on the coding strand, the complement: IFT172 is on the minus strand). VCF-style: chr2-27445404-T-C. GRCh37 (hg19) VCF-style: chr2-27668271-T-C.
Other names: c.4894A>G, p.Met1632Val (NM_001410739.1); c.*6-897T>C (NM_001168364.2); short protein forms M1654V, M1632V.
Identifiers: ClinVar variation 843644 (VCV000843644.16), dbSNP rs529850410, ClinGen allele CA1579401.

ClinVar aggregate classification (germline): Conflicting classifications of pathogenicity. Review status: criteria provided, conflicting classifications (1 of 4 stars). 4 submissions from 4 submitters: Uncertain significance (2); Likely benign (2). Last evaluated 2026-04-29.

Conditions:
Retinitis pigmentosa 71 (RP71). Identifiers: Orphanet 791, MedGen C4225342, MONDO:0014618, OMIM 616394.
Bardet-Biedl syndrome 20. Identifiers: MedGen C4310707, MONDO:0023670, OMIM 619471, MONDO:0014926.
Short-rib thoracic dysplasia 10 with or without polydactyly (SRTD10). Identifiers: Orphanet 474, MedGen C3810175, MONDO:0014284, OMIM 615630.
IFT172-related disorder. Also called: IFT172-related disorders; IFT172-related condition.

Allele frequency attached by ClinVar (database versions not stated): gnomAD exomes 0.00018 and 0.00009; gnomAD below 0.00001 and 0.00006; TOPMed below 0.00001; ExAC 0.00015; 1000 Genomes Project 30x 0.00016; 1000 Genomes Project 0.00020.

Submissions (4):

PreventionGenetics, part of Exact Sciences
Classification: Uncertain significance for IFT172-related condition. Last evaluated: 2026-04-29. Review status: criteria provided, single submitter. Criteria: ACMG Guidelines, 2015. Collection method: clinical testing. Allele origin: germline.
Comment: The IFT172 c.4960A>G variant is predicted to result in the amino acid substitution p.Met1654Val. This variant has been reported in an individual with nephronophthisis-related ciliopathy (Table S3, Deutsch et al. 2024. PubMed ID: 38868576). This variant is reported in 0.14% of alleles in individuals of South Asian descent in gnomAD, which may be too frequent to be a primary cause of disease. Although we suspect that this variant may be benign, at this time, the clinical significance of this variant is uncertain due to the absence of conclusive functional and genetic evidence.

Labcorp Genetics (formerly Invitae), Labcorp
Classification: Likely benign for Retinitis pigmentosa 71; Short-rib thoracic dysplasia 10 with or without polydactyly. Last evaluated: 2024-12-23. Review status: criteria provided, single submitter. Criteria: Invitae Variant Classification Sherloc (09022015). Collection method: clinical testing. Allele origin: germline.

Fulgent Genetics
Classification: Uncertain significance for Short-rib thoracic dysplasia 10 with or without polydactyly; Retinitis pigmentosa 71; Bardet-Biedl syndrome 20. Last evaluated: 2024-05-06. Review status: criteria provided, single submitter. Criteria: ACMG Guidelines, 2015. Collection method: clinical testing. Allele origin: germline.

Blueprint Genetics
Classification: Likely benign. Last evaluated: 2023-11-27. Review status: criteria provided, single submitter. Criteria: ACMG Guidelines, 2015. Collection method: clinical testing. Allele origin: germline.